The following is an entry in ClinVar:

ClinVar aggregate classification (germline): Likely pathogenic (1 of 4 stars; one submission).

Conditions:
Primary ciliary dyskinesia. Also called: Ciliary dyskinesia. Identifiers: Orphanet 244, MedGen C0008780, MONDO:0016575, HP:0012265.

Submission:

Labcorp Genetics (formerly Invitae), Labcorp
Classification: Likely pathogenic for Primary ciliary dyskinesia. Last evaluated: 2020-05-03. Review status: criteria provided, single submitter. Criteria: Invitae Variant Classification Sherloc (09022015). Collection method: clinical testing. Allele origin: germline.
Comment: In summary, the currently available evidence indicates that the variant is pathogenic, but additional data are needed to prove that conclusively. Therefore, this variant has been classified as Likely Pathogenic. Loss-of-function variants in DNAI2 are known to be pathogenic (PMID: 18950741, 23891469). This variant has not been reported in the literature in individuals with DNAI2-related conditions. This variant results in a copy number gain of the genomic region encompassing exons 8-9 of the DNAI2 gene. While the exact position of this variant cannot be determined from the data, sub-genic copy number gains are generally in tandem (PMID: 25640679). This variant is predicted to be out-of-frame, and may result in an absent or disrupted protein product.

Literature cited by the submitters: PubMed 18950741; PubMed 23891469; PubMed 25640679.

NC_000017.10:g.(?_72297175)_(72301591_?)dup

Gene: DNAI2 (dynein axonemal intermediate chain 2; plus strand). Cytogenetic location: 17q25.1.
Variant type: Duplication.
Identifiers: ClinVar variation 1066537 (VCV001066537.3).